The following is an entry in ClinVar:

NM_001556.3(IKBKB):c.1174A>C (p.Asn392His)

Gene: IKBKB (inhibitor of nuclear factor kappa B kinase subunit beta; plus strand). Cytogenetic location: 8p11.21.
Variant type: single nucleotide variant.
Coding change: c.1174A>C on transcript NM_001556.3 (MANE Select); coding-DNA position 1174, A replaced by C.
Protein change: p.Asn392His; replaces asparagine 392 with histidine.
Molecular consequence: missense variant. On other transcripts: non-coding transcript variant (2).
Genome position (GRCh38, 1-based): chr8:42,317,705, A>C. VCF-style: chr8-42317705-A-C. GRCh37 (hg19) VCF-style: chr8-42175223-A-C.
Other names: c.982A>C, p.Asn328His (NM_001190720.3); c.997A>C, p.Asn333His (NM_001242778.2); short protein forms N328H, N333H, N392H.
Identifiers: ClinVar variation 4681868 (VCV004681868.5).
Genomic context (GRCh38, chr8:42,317,705, plus strand): 5'-GTCCCTTTGCAGTTAAATGAGGGCCACACATTGGACATGGATCTTGTTTTTCTCTTTGAC[A>C]ACAGTAAAATCACCTATGAGACTCAGATCTCCCCACGGCCCCAACCTGAAAGTGTCAGCT-3'
Protein context (NP_001547.1, residues 382-402): LDMDLVFLFD[Asn392His]SKITYETQIS

ClinVar aggregate classification (germline): Uncertain significance (1 of 4 stars; one submission).

gnomAD v4.1: 1 of 1,614,120 alleles (0.000062%); highest among the groups gnomAD compares: East Asian, 0.0022%; no homozygotes.

Submission:

CeGaT Center for Human Genetics Tuebingen
Classification: Uncertain significance. Last evaluated: 2025-12-01. Review status: criteria provided, single submitter. Criteria: CeGaT Center For Human Genetics Tuebingen Variant Classification Criteria Version 2. Collection method: clinical testing. Allele origin: germline. Affected: yes. Observed: 1 variant allele.
Comment: IKBKB: PM2, BP4